The following is an entry in ClinVar:

ClinVar aggregate classification (germline): Uncertain significance (1 of 4 stars; one submission).

Conditions:
GNAS-related disorder. Identifiers: MedGen CN380105.

gnomAD v4.1: 1 of 1,611,460 alleles (0.000062%); highest among the groups gnomAD compares: African/African-American, 0.0013%; no homozygotes.

Submission:

PreventionGenetics, part of Exact Sciences
Classification: Uncertain significance for GNAS-related condition. Last evaluated: 2026-01-26. Review status: criteria provided, single submitter. Criteria: ACMG Guidelines, 2015. Collection method: clinical testing. Allele origin: germline.
Comment: The GNAS c.751G>T variant is predicted to result in the amino acid substitution p.Gly251Cys. To our knowledge, this variant has not been reported in the literature. This variant is reported in 0.0057% of alleles in individuals of East Asian descent in gnomAD. At this time, the clinical significance of this variant is uncertain due to the absence of conclusive functional and genetic evidence.

NM_080425.4(GNAS):c.751G>T (p.Gly251Cys)

Gene: GNAS (GNAS complex locus; plus strand). Cytogenetic location: 20q13.32.
Variant type: single nucleotide variant.
Coding change: c.751G>T on transcript NM_080425.4 (MANE Plus Clinical); coding-DNA position 751, G replaced by T.
Protein change: p.Gly251Cys; replaces glycine 251 with cysteine.
Molecular consequence: missense variant. On other transcripts: synonymous variant (2), intron variant (3).
Genome position (GRCh38, 1-based): chr20:58,854,016, G>T. VCF-style: chr20-58854016-G-T. GRCh37 (hg19) VCF-style: chr20-57429071-G-T.
Other names: c.564G>T, p.Thr188= (NM_001077490.3, NM_001309883.1); c.751G>T, p.Gly251Cys (NM_001410913.1); c.*42+13130G>T (NM_016592.5); c.43+13130G>T (NM_001410912.1); c.-39+12141G>T (NM_001309861.2); short protein forms G251C.
Identifiers: ClinVar variation 4995038 (VCV004995038.1).